The following is an entry in ClinVar:

NM_000051.4(ATM):c.8850+17G>C

Genes: ATM (ATM serine/threonine kinase; plus strand), C11orf65 (chromosome 11 open reading frame 65; minus strand). Cytogenetic location: 11q22.3.
Variant type: single nucleotide variant.
Coding change: c.8850+17G>C on transcript NM_000051.4 (MANE Select); 17 bases into the intron after coding-DNA position 8850, G replaced by C.
Molecular consequence: intron variant.
Genome position (GRCh38, 1-based): chr11:108,354,891, G>C. VCF-style: chr11-108354891-G-C. GRCh37 (hg19) VCF-style: chr11-108225618-G-C.
Other names: c.8850+17G>C (NM_001351834.2); c.640+31029C>G (NM_001330368.2); c.695-19599C>G (NM_001351110.2).
Identifiers: ClinVar variation 2019369 (VCV002019369.4), dbSNP rs1027667991, ClinGen allele CA2580083138.

ClinVar aggregate classification (germline): Uncertain significance (1 of 4 stars; one submission).

Conditions:
Ataxia-telangiectasia syndrome (AT). Also called: Ataxia-telangiectasia, complementation group D; AT, COMPLEMENTATION GROUP C; ATAXIA-TELANGIECTASIA, COMPLEMENTATION GROUP A; ATAXIA-TELANGIECTASIA, FRESNO VARIANT; Ataxia-telangiectasia, complementation group E; LOUIS-BAR SYNDROME. Identifiers: Orphanet 100, MedGen C0004135, MONDO:0008840, OMIM 208900.

gnomAD v4.1: 1 of 1,600,176 alleles (0.000062%); highest among the groups gnomAD compares: Non-Finnish European, 0.000086%; no homozygotes.

Submission:

Labcorp Genetics (formerly Invitae), Labcorp
Classification: Uncertain significance for Ataxia-telangiectasia syndrome. Last evaluated: 2024-08-29. Review status: criteria provided, single submitter. Criteria: Invitae Variant Classification Sherloc (09022015). Collection method: clinical testing. Allele origin: germline.
Comment: This sequence change falls in intron 61 of the ATM gene. It does not directly change the encoded amino acid sequence of the ATM protein. This variant is not present in population databases (gnomAD no frequency). This variant has not been reported in the literature in individuals affected with ATM-related conditions. ClinVar contains an entry for this variant (Variation ID: 2019369). Algorithms developed to predict the effect of sequence changes on RNA splicing suggest that this variant may create or strengthen a splice site. In summary, the available evidence is currently insufficient to determine the role of this variant in disease. Therefore, it has been classified as a Variant of Uncertain Significance.